The following is an entry in ClinVar:

ClinVar aggregate classification (germline): Pathogenic (1 of 4 stars; one submission).

Conditions:
Familial adenomatous polyposis 4 (FAP4). Also called: MSH3-related attenuated familial adenomatous polyposis. Identifiers: Orphanet 480536, MedGen C4310719, MONDO:0044300, OMIM 617100.

Submission:

Myriad Genetics, Inc.
Classification: Pathogenic for Familial adenomatous polyposis 4. Last evaluated: 2023-08-29. Review status: criteria provided, single submitter. Criteria: Myriad Autosomal Dominant, Autosomal Recessive and X-Linked Classification Criteria (2023). Collection method: clinical testing. Allele origin: unknown.
Comment: This variant is considered pathogenic. This variant creates a frameshift predicted to result in premature protein truncation.

NM_002439.5(MSH3):c.1014dup (p.Leu339fs)

Genes: MSH3 (mutS homolog 3; plus strand), LOC126807437 (MED14-independent group 3 enhancer GRCh37_chr5:79968379-79969578; plus strand). Cytogenetic location: 5q14.1.
Variant type: Duplication.
Coding change: c.1014dup on transcript NM_002439.5 (MANE Select); coding-DNA position 1014, one base duplicated (A; older notation c.1014dupA).
Protein change: p.Leu339fs; shifts the reading frame from leucine 339.
Molecular consequence: frameshift variant.
Genome position (GRCh38, 1-based): chr5:80,672,845, A duplicated. VCF-style (leftmost placement, unchanged base first): chr5-80672844-C-CA. GRCh37 (hg19) VCF-style: chr5-79968663-C-CA.
Other names: short protein forms L339fs.
Identifiers: ClinVar variation 2673546 (VCV002673546.1), dbSNP rs2546722995, ClinGen allele CA2695198651.